The following is an entry in ClinVar:

ClinVar aggregate classification (germline): Uncertain significance. Review status: criteria provided, multiple submitters, no conflicts (2 of 4 stars). 2 submissions from 2 submitters: Uncertain significance (2). Last evaluated 2025-08-18.

Allele frequency attached by ClinVar (database versions not stated): gnomAD 0.00003 and 0.00004; TOPMed 0.00003.
gnomAD v4.1: 17 of 1,612,516 alleles (0.0011%); highest among the groups gnomAD compares: Non-Finnish European, 0.0014%; no homozygotes.

Submissions (2):

Labcorp Genetics (formerly Invitae), Labcorp
Classification: Uncertain significance. Last evaluated: 2025-08-18. Review status: criteria provided, single submitter. Criteria: Invitae Variant Classification Sherloc (09022015). Collection method: clinical testing. Allele origin: germline.
Comment: This sequence change replaces serine, which is neutral and polar, with isoleucine, which is neutral and non-polar, at codon 198 of the NFS1 protein (p.Ser198Ile). This variant is present in population databases (no rsID available, gnomAD 0.01%). This variant has not been reported in the literature in individuals affected with NFS1-related conditions. ClinVar contains an entry for this variant (Variation ID: 1363470). An algorithm developed to predict the effect of missense changes on protein structure and function (PolyPhen-2) suggests that this variant is likely to be tolerated. In summary, the available evidence is currently insufficient to determine the role of this variant in disease. Therefore, it has been classified as a Variant of Uncertain Significance.

Ambry Genetics
Classification: Uncertain significance. Last evaluated: 2021-08-02. Review status: criteria provided, single submitter. Criteria: Ambry Variant Classification Scheme 2023. Collection method: clinical testing. Allele origin: germline.

NM_021100.5(NFS1):c.593G>T (p.Ser198Ile)

Gene: NFS1 (NFS1 cysteine desulfurase; minus strand). Cytogenetic location: 20q11.22.
Variant type: single nucleotide variant.
Coding change: c.593G>T on transcript NM_021100.5 (MANE Select); coding-DNA position 593, G replaced by T.
Protein change: p.Ser198Ile; replaces serine 198 with isoleucine.
Molecular consequence: missense variant. On other transcripts: non-coding transcript variant (1).
Genome position (GRCh38, 1-based): chr20:35,681,950, C>A on the plus strand (G>T on the coding strand, the complement: NFS1 is on the minus strand). VCF-style: chr20-35681950-C-A. GRCh37 (hg19) VCF-style: chr20-34269872-C-A.
Other names: c.440G>T, p.Ser147Ile (NM_001198989.2); c.593G>T (NM_021100.4); short protein forms S198I, S147I.
Identifiers: ClinVar variation 1363470 (VCV001363470.7), dbSNP rs906083307, ClinGen allele CA314140436.